The following is an entry in ClinVar:

ClinVar aggregate classification (germline): Uncertain significance. Review status: criteria provided, multiple submitters, no conflicts (2 of 4 stars). 2 submissions from 2 submitters: Uncertain significance (2). Last evaluated 2025-08-21.

Conditions:
Hereditary cancer-predisposing syndrome. Also called: Neoplastic Syndromes, Hereditary; Tumor predisposition; Hereditary neoplastic syndrome; Hereditary Cancer Syndrome. Identifiers: Orphanet 140162, MedGen C0027672, MeSH D009386, MONDO:0015356.

Submissions (2):

Ambry Genetics
Classification: Uncertain significance for Hereditary cancer-predisposing syndrome. Last evaluated: 2025-08-21. Review status: criteria provided, single submitter. Criteria: Ambry Variant Classification Scheme 2023. Collection method: clinical testing. Allele origin: germline.
Comment: The c.105+4A>G intronic variant results from an A to G substitution 4 nucleotides after coding exon 1 in the CTNNA1 gene. This nucleotide position is well conserved in available vertebrate species. In silico splice site analysis predicts that this alteration will not have any significant effect on splicing. Based on the available evidence, the clinical significance of this variant remains unclear.

Labcorp Genetics (formerly Invitae), Labcorp
Classification: Uncertain significance. Last evaluated: 2021-12-15. Review status: criteria provided, single submitter. Criteria: Invitae Variant Classification Sherloc (09022015). Collection method: clinical testing. Allele origin: germline.
Comment: In summary, the available evidence is currently insufficient to determine the role of this variant in disease. Therefore, it has been classified as a Variant of Uncertain Significance. Variants that disrupt the consensus splice site are a relatively common cause of aberrant splicing (PMID: 17576681, 9536098). Algorithms developed to predict the effect of sequence changes on RNA splicing suggest that this variant is not likely to affect RNA splicing. This variant has not been reported in the literature in individuals affected with CTNNA1-related conditions. This variant is not present in population databases (gnomAD no frequency). This sequence change falls in intron 2 of the CTNNA1 gene. It does not directly change the encoded amino acid sequence of the CTNNA1 protein. It affects a nucleotide within the consensus splice site.

Literature cited by the submitters: PubMed 17576681 (cited by Labcorp Genetics (formerly Invitae), Labcorp); PubMed 9536098 (cited by Labcorp Genetics (formerly Invitae), Labcorp).

NM_001903.5(CTNNA1):c.105+4A>G

Gene: CTNNA1 (catenin alpha 1; plus strand). Cytogenetic location: 5q31.2.
Variant type: single nucleotide variant.
Coding change: c.105+4A>G on transcript NM_001903.5 (MANE Select); 4 bases into the intron after coding-DNA position 105, A replaced by G.
Molecular consequence: intron variant.
Genome position (GRCh38, 1-based): chr5:138,782,033, A>G. VCF-style: chr5-138782033-A-G. GRCh37 (hg19) VCF-style: chr5-138117722-A-G.
Other names: c.105+4A>G (NM_001323982.2, NM_001323984.2, NM_001290307.3 and 4 more transcripts); c.-102+4A>G (NM_001290310.3); c.-9+4A>G (NM_001290309.3).
Identifiers: ClinVar variation 1353652 (VCV001353652.7), dbSNP rs2149652140, ClinGen allele CA2573139201.